The following is an entry in ClinVar:

ClinVar aggregate classification (germline): Uncertain significance (1 of 4 stars; one submission).

Submission:

Ambry Genetics
Classification: Uncertain significance. Last evaluated: 2024-03-09. Review status: criteria provided, single submitter. Criteria: Ambry Variant Classification Scheme 2023. Collection method: clinical testing. Allele origin: germline.
Comment: The p.N577Y variant (also known as c.1729A>T), located in coding exon 13 of the RECQL gene, results from an A to T substitution at nucleotide position 1729. The asparagine at codon 577 is replaced by tyrosine, an amino acid with dissimilar properties. This amino acid position is conserved. In addition, this alteration is predicted to be tolerated by in silico analysis. Based on the available evidence, the clinical significance of this alteration remains unclear.

NM_002907.4(RECQL):c.1729A>T (p.Asn577Tyr)

Genes: PYROXD1 (pyridine nucleotide-disulphide oxidoreductase domain 1; plus strand), RECQL (RecQ like helicase; minus strand). Cytogenetic location: 12p12.1.
Variant type: single nucleotide variant.
Coding change: c.1729A>T on transcript NM_002907.4 (MANE Select); coding-DNA position 1729, A replaced by T.
Protein change: p.Asn577Tyr; replaces asparagine 577 with tyrosine.
Molecular consequence: missense variant. On other transcripts: 3 prime UTR variant (3).
Genome position (GRCh38, 1-based): chr12:21,471,037, T>A on the plus strand (A>T on the coding strand, the complement: RECQL is on the minus strand). VCF-style: chr12-21471037-T-A. GRCh37 (hg19) VCF-style: chr12-21623971-T-A.
Other names: c.1729A>T, p.Asn577Tyr (NM_032941.3); c.*2283T>A (NM_001350912.2, NM_001350913.2, NM_024854.5); short protein forms N577Y.
Identifiers: ClinVar variation 3222950 (VCV003222950.1), dbSNP rs778917415, ClinGen allele CA384114552.